The following is an entry in ClinVar:

NM_020870.4(SH3RF1):c.-1G>C

Gene: SH3RF1 (SH3 domain containing ring finger 1; minus strand). Cytogenetic location: 4q33.
Variant type: single nucleotide variant.
Coding change: c.-1G>C on transcript NM_020870.4 (MANE Select); 1 bases upstream of the start codon, G replaced by C.
Molecular consequence: 5 prime UTR variant.
Genome position (GRCh38, 1-based): chr4:169,269,213, C>G on the plus strand (G>C on the coding strand, the complement: SH3RF1 is on the minus strand). VCF-style: chr4-169269213-C-G. GRCh37 (hg19) VCF-style: chr4-170190364-C-G.
Identifiers: ClinVar variation 2655178 (VCV002655178.24), dbSNP rs1731404527, ClinGen allele CA2695198562.

ClinVar aggregate classification (germline): Uncertain significance (1 of 4 stars; one submission).

Submission:

CeGaT Center for Human Genetics Tuebingen
Classification: Uncertain significance. Last evaluated: 2023-09-01. Review status: criteria provided, single submitter. Criteria: CeGaT Center For Human Genetics Tuebingen Variant Classification Criteria Version 2. Collection method: clinical testing. Allele origin: germline. Affected: yes. Observed: 1 variant allele.
Comment: SH3RF1: PM2, BP4